The following is an entry in ClinVar:

NM_000017.4(ACADS):c.3G>A (p.Met1Ile)

Gene: ACADS (acyl-CoA dehydrogenase short chain; plus strand). Cytogenetic location: 12q24.31.
Variant type: single nucleotide variant.
Coding change: c.3G>A on transcript NM_000017.4 (MANE Select); coding-DNA position 3, G replaced by A.
Protein change: p.Met1Ile; changes the start codon (methionine 1).
Molecular consequence: missense variant, initiator codon variant.
Genome position (GRCh38, 1-based): chr12:120,725,888, G>A. VCF-style: chr12-120725888-G-A. GRCh37 (hg19) VCF-style: chr12-121163691-G-A.
Other names: c.3G>A, p.Met1Ile (NM_001302554.2); short protein forms M1I.
Identifiers: ClinVar variation 2709405 (VCV002709405.3), dbSNP rs1883065804, ClinGen allele CA386612544.

ClinVar aggregate classification (germline): Pathogenic (1 of 4 stars; one submission).

Conditions:
Deficiency of butyryl-CoA dehydrogenase (ACADSD). Also called: SCAD Deficiency; SCADH DEFICIENCY; ACADS DEFICIENCY; Short-Chain Acyl-CoA Dehydrogenase Deficiency; SCAD DEFICIENCY, MILD; ACYL-CoA DEHYDROGENASE, SHORT-CHAIN, DEFICIENCY OF. Identifiers: Orphanet 26792, MedGen C0342783, MONDO:0008722, OMIM 201470. Disease mechanism: May be benign.

Submission:

Labcorp Genetics (formerly Invitae), Labcorp
Classification: Pathogenic for Deficiency of butyryl-CoA dehydrogenase. Last evaluated: 2024-01-22. Review status: criteria provided, single submitter. Criteria: Invitae Variant Classification Sherloc (09022015). Collection method: clinical testing. Allele origin: germline.
Comment: This sequence change affects the initiator methionine of the ACADS mRNA. The next in-frame methionine is located at codon 40. This variant is not present in population databases (gnomAD no frequency). Disruption of the initiator codon has been observed in individual(s) with short-chain acyl-coenzyme A dehydrogenase deficiency (Invitae). In at least one individual the data is consistent with being in trans (on the opposite chromosome) from a pathogenic variant. This variant disrupts a region of the ACADS protein in which other variant(s) (p.Arg23Trp) have been observed in individuals with ACADS-related conditions (Invitae). This suggests that this is a clinically significant region of the protein, and that variants that disrupt it are likely to be disease-causing. For these reasons, this variant has been classified as Pathogenic.